The following is an entry in ClinVar:

ClinVar aggregate classification (germline): Uncertain significance. Review status: criteria provided, multiple submitters, no conflicts (2 of 4 stars). 2 submissions from 2 submitters: Uncertain significance (2). Last evaluated 2025-02-24.

Submissions (2):

Labcorp Genetics (formerly Invitae), Labcorp
Classification: Uncertain significance. Last evaluated: 2025-02-24. Review status: criteria provided, single submitter. Criteria: Invitae Variant Classification Sherloc (09022015). Collection method: clinical testing. Allele origin: germline.
Comment: This variant, c.6649_6660del, results in the deletion of 4 amino acid(s) of the CACNA1G protein (p.Asp2218_Leu2221del), but otherwise preserves the integrity of the reading frame. This variant is present in population databases (rs773332530, gnomAD 0.003%). This variant has not been reported in the literature in individuals affected with CACNA1G-related conditions. ClinVar contains an entry for this variant (Variation ID: 2184877). Experimental studies and prediction algorithms are not available or were not evaluated, and the functional significance of this variant is currently unknown. In summary, the available evidence is currently insufficient to determine the role of this variant in disease. Therefore, it has been classified as a Variant of Uncertain Significance.

CeGaT Center for Human Genetics Tuebingen
Classification: Uncertain significance. Last evaluated: 2023-07-01. Review status: criteria provided, single submitter. Criteria: CeGaT Center For Human Genetics Tuebingen Variant Classification Criteria Version 2. Collection method: clinical testing. Allele origin: germline. Affected: yes. Observed: 1 variant allele.
Comment: CACNA1G: PM4

NM_018896.5(CACNA1G):c.6649_6660del (p.Asp2218_Leu2221del)

Gene: CACNA1G (calcium voltage-gated channel subunit alpha1 G; plus strand). Cytogenetic location: 17q21.33.
Variant type: Deletion.
Coding change: c.6649_6660del on transcript NM_018896.5 (MANE Select); coding-DNA positions 6649 to 6660, 12 bases deleted (TTGGACACGGAG).
Protein change: p.Asp2218_Leu2221del.
Molecular consequence: inframe deletion. On other transcripts: non-coding transcript variant (5), intron variant (3).
Genome position (GRCh38, 1-based): chr17:50,626,266-50,626,277, TTGGACACGGAG deleted; deleting any 12 consecutive bases within chr17:50,626,263-50,626,277 gives the same sequence; the c. name uses the placement nearest the transcript's 3' end. VCF-style (leftmost placement, unchanged base first): chr17-50626262-AGAGTTGGACACG-A. GRCh37 (hg19) VCF-style: chr17-48703623-AGAGTTGGACACG-A.
Other names: c.6460_6471del, p.Asp2155_Leu2158del (NM_001256324.2); c.6391_6402del, p.Asp2132_Leu2135del (NM_001256325.2); c.6379_6390del, p.Asp2128_Leu2131del (NM_001256326.2); c.6349_6360del, p.Asp2118_Leu2121del (NM_001256327.2); c.6295_6306del, p.Asp2100_Leu2103del (NM_001256328.2); c.6268_6279del, p.Asp2091_Leu2094del (NM_001256329.2, NM_198387.3); c.6235_6246del, p.Asp2080_Leu2083del (NM_001256330.2); c.6214_6225del, p.Asp2073_Leu2076del (NM_001256331.2); and 18 more.
Identifiers: ClinVar variation 2184877 (VCV002184877.28), dbSNP rs773332530, ClinGen allele CA8653703.